The following is an entry in ClinVar:

NM_000340.2(SLC2A2):c.548C>T (p.Ala183Val)

Gene: SLC2A2 (solute carrier family 2 member 2; minus strand). Cytogenetic location: 3q26.2.
Variant type: single nucleotide variant.
Coding change: c.548C>T on transcript NM_000340.2 (MANE Select); coding-DNA position 548, C replaced by T.
Protein change: p.Ala183Val; replaces alanine 183 with valine.
Molecular consequence: missense variant.
Genome position (GRCh38, 1-based): chr3:171,007,212, G>A on the plus strand (C>T on the coding strand, the complement: SLC2A2 is on the minus strand). VCF-style: chr3-171007212-G-A. GRCh37 (hg19) VCF-style: chr3-170725001-G-A.
Other names: c.191C>T, p.Ala64Val (NM_001278658.2); c.29C>T, p.Ala10Val (NM_001278659.2); short protein forms A10V, A183V, A64V.
Identifiers: ClinVar variation 2498940 (VCV002498940.28), dbSNP rs2473900631, ClinGen allele CA355490574.

ClinVar aggregate classification (germline): Uncertain significance (1 of 4 stars; one submission).

Allele frequency attached by ClinVar (database versions not stated): gnomAD exomes below 0.00001.
gnomAD v4.1: 1 of 1,612,844 alleles (0.000062%); highest among the groups gnomAD compares: Non-Finnish European, 0.000085%; no homozygotes.

Submission:

CeGaT Center for Human Genetics Tuebingen
Classification: Uncertain significance. Last evaluated: 2023-03-01. Review status: criteria provided, single submitter. Criteria: CeGaT Center For Human Genetics Tuebingen Variant Classification Criteria Version 2. Collection method: clinical testing. Allele origin: germline. Affected: yes. Observed: 1 variant allele.
Comment: SLC2A2: PM2, BP4